The following is an entry in ClinVar:

ClinVar aggregate classification (germline): Likely pathogenic (1 of 4 stars; one submission).

Conditions:
TCOF1-related disorder. Also called: TCOF1-related condition.

Submission:

PreventionGenetics, part of Exact Sciences
Classification: Likely pathogenic for TCOF1-related condition. Last evaluated: 2026-05-27. Review status: criteria provided, single submitter. Criteria: ACMG Guidelines, 2015. Collection method: clinical testing. Allele origin: germline.
Comment: The TCOF1 c.1407delG variant is predicted to result in a frameshift and premature protein termination (p.Lys470Serfs*23). To our knowledge, this variant has not been reported in the literature or in a large population database (gnomAD), indicating this variant is rare. Frameshift variants in TCOF1 are expected to be pathogenic. This variant is interpreted as likely pathogenic.

NM_001371623.1(TCOF1):c.1407del (p.Lys470fs)

Gene: TCOF1 (treacle ribosome biogenesis factor 1; plus strand). Cytogenetic location: 5q32.
Variant type: Deletion.
Coding change: c.1407del on transcript NM_001371623.1 (MANE Select); coding-DNA position 1407, one base deleted (G; older notation c.1407delG).
Protein change: p.Lys470fs; shifts the reading frame from lysine 470.
Molecular consequence: frameshift variant.
Genome position (GRCh38, 1-based): chr5:150,375,082, G deleted; the last of 4 consecutive G bases (chr5:150,375,079-150,375,082); deleting any one gives the same sequence. VCF-style (leftmost placement, unchanged base first): chr5-150375078-TG-T. GRCh37 (hg19) VCF-style: chr5-149754641-TG-T.
Other names: c.1176del, p.Lys393fs (NM_000356.4, NM_001135245.2, NM_001437406.1); c.1407del, p.Lys470fs (NM_001008657.3, NM_001135243.2, NM_001135244.2 and 1 more transcripts); short protein forms K470fs, K393fs.
Identifiers: ClinVar variation 4995128 (VCV004995128.1).